The following is an entry in ClinVar:

ClinVar aggregate classification (germline): Uncertain significance (1 of 4 stars; one submission).

Submission:

Mayo Clinic Laboratories, Mayo Clinic
Classification: Uncertain significance. Last evaluated: 2024-05-07. Review status: criteria provided, single submitter. Criteria: ACMG Guidelines, 2015. Collection method: clinical testing. Allele origin: germline. Observed: 1 variant allele.
Comment: BP4

NM_021815.5(SLC5A7):c.102C>G (p.Ser34Arg)

Gene: SLC5A7 (solute carrier family 5 member 7; plus strand). Cytogenetic location: 2q12.3.
Variant type: single nucleotide variant.
Coding change: c.102C>G on transcript NM_021815.5 (MANE Select); coding-DNA position 102, C replaced by G.
Protein change: p.Ser34Arg; replaces serine 34 with arginine.
Molecular consequence: missense variant. On other transcripts: 5 prime UTR variant (1), intron variant (1).
Genome position (GRCh38, 1-based): chr2:107,988,257, C>G. VCF-style: chr2-107988257-C-G. GRCh37 (hg19) VCF-style: chr2-108604713-C-G.
Other names: p.Ser34Arg; c.102C>G, p.Ser34Arg (NM_001305005.3); c.-603C>G (NM_001305007.3); c.-138+1494C>G (NM_001305006.3); short protein forms S34R.
Identifiers: ClinVar variation 3380827 (VCV003380827.1).